The following is an entry in ClinVar:

ClinVar aggregate classification (germline): Benign/Likely benign. Review status: criteria provided, multiple submitters, no conflicts (2 of 4 stars). 18 submissions from 18 submitters: Benign (14); Likely benign (3). 1 of the submissions does not count toward it. Last evaluated 2026-08-01.

Conditions:
Hereditary retinoblastoma. Identifiers: Orphanet 357027, MedGen C0751483, MONDO:0018160.
Hereditary cancer-predisposing syndrome. Also called: Neoplastic Syndromes, Hereditary; Tumor predisposition; Hereditary neoplastic syndrome; Hereditary Cancer Syndrome. Identifiers: Orphanet 140162, MedGen C0027672, MeSH D009386, MONDO:0015356.
Retinoblastoma (RB1). Also called: RETINOBLASTOMA, SOMATIC. Identifiers: Orphanet 790, MedGen C0035335, MeSH D012175, MONDO:0008380, OMIM 180200, HP:0009919. Disease mechanism: loss of function. Inheritance: Both sporadic and heritable forms are tested..

Allele frequency attached by ClinVar (database versions not stated): TOPMed 0.00687; gnomAD exomes 0.00153; ExAC 0.00197; 1000 Genomes Project 30x 0.00578; 1000 Genomes Project 0.00619; gnomAD 0.00623; ESP Exome Variant Server 0.00646.
gnomAD v4.1: 1,779 of 1,611,652 alleles (0.11%); highest among the groups gnomAD compares: African/African-American, 2%; 18 homozygotes.

Submissions (18):

CeGaT Center for Human Genetics Tuebingen
Classification: Benign. Last evaluated: 2026-08-01. Review status: criteria provided, single submitter. Criteria: CeGaT Center For Human Genetics Tuebingen Variant Classification Criteria Version 2. Collection method: clinical testing. Allele origin: germline. Affected: yes. Observed: 14 variant alleles.
Comment: RB1: BS1, BS2

Labcorp Genetics (formerly Invitae), Labcorp
Classification: Benign for Retinoblastoma. Last evaluated: 2026-02-04. Review status: criteria provided, single submitter. Criteria: Invitae Variant Classification Sherloc (09022015). Collection method: clinical testing. Allele origin: germline.

Dasa
Classification: Benign. Last evaluated: 2026-01-12. Review status: criteria provided, single submitter. Criteria: DASA Assertion Criteria. Collection method: clinical testing. Allele origin: germline.
Comment: NM_000321.3(RB1):c.1574C>G (p.Ala525Gly) is a missense variant that results in the substitution of alanine with glycine. Population frequency is inconsistent with a disease-causing role for this variant, and the variant context is inconsistent with a known disease-causing mechanism. Therefore, based on the currently available evidence, this variant is classified as benign.

Myriad Genetics, Inc.
Classification: Benign for Retinoblastoma. Last evaluated: 2026-01-08. Review status: criteria provided, single submitter. Criteria: Myriad Autosomal Dominant, Autosomal Recessive and X-Linked Classification Criteria (2023). Collection method: clinical testing. Allele origin: unknown.
Comment: This variant is considered benign. This variant has been observed at a population frequency that is significantly greater than expected given the associated disease prevalence and penetrance. Homozygosity has been confirmed in one or more individuals. As homozygosity for pathogenic variants in this gene is generally assumed to result in embryonic lethality, this variant is unlikely to be pathogenic.

Ramesar Group, Division of Human Genetics, Institute of Infectious Diseases and Molecular Medicine, UCT/MRC Genomic and Precision Medicine Research Unit, University of Cape Town
Classification: Likely benign for Hereditary retinoblastoma. Last evaluated: 2025-09-17. Review status: criteria provided, single submitter. Criteria: ACMG Guidelines, 2015. Collection method: research. Allele origin: germline. Affected: no.
Comment: BP5 - Variant found in a patient with a different retinal disease; RB1 is not associated with the phenotype BP1 - A missense variant in a gene (RB1) for which primarily truncating variants are known to cause disease BP6 - Reported as benign in ClinVar

ARUP Laboratories, Molecular Genetics and Genomics, ARUP Laboratories
Classification: Benign. Last evaluated: 2025-05-27. Review status: criteria provided, single submitter. Criteria: ARUP Molecular Germline Variant Investigation Process 2024. Collection method: clinical testing. Allele origin: germline.

Blueprint Genetics
Classification: Likely benign. Last evaluated: 2024-10-22. Review status: criteria provided, single submitter. Criteria: ACMG Guidelines, 2015. Collection method: clinical testing. Allele origin: germline.

All of Us Research Program, National Institutes of Health
Classification: Benign for Retinoblastoma. Last evaluated: 2024-09-27. Review status: criteria provided, single submitter. Criteria: ACMG Guidelines, 2015. Collection method: clinical testing. Allele origin: germline. Inheritance: Autosomal dominant inheritance. Observed: 512 variant alleles, 510 heterozygotes, 2 homozygotes.
Comment: This study involves interpretation of variants in research participants for the purpose of population health screening. Participant phenotype was not available at the time of variant classification. Additional details can be found in publication PMID: 35346344, PMCID: PMC8962531

Genetic Diagnostic Laboratory, University of Pennsylvania School of Medicine
Classification: Benign for Retinoblastoma. Last evaluated: 2024-05-20. Review status: criteria provided, single submitter. Criteria: ACMG Guidelines, 2015. Collection method: clinical testing. Allele origin: germline. Affected: yes. Observed: 1 variant allele.
Comment: Case and Pedigree Information: BILATERAL CASES:0, UNILATERAL CASES:1, TOTAL CASES:1, PEDIGREES:1. ACMG Codes Applied:BS1, BS2

KCCC/NGS Laboratory, Kuwait Cancer Control Center
Classification: Benign for Retinoblastoma. Last evaluated: 2023-07-07. Review status: criteria provided, single submitter. Criteria: ACMG Guidelines, 2015. Collection method: clinical testing. Allele origin: germline. Affected: yes.

Color Diagnostics, LLC DBA Color Health
Classification: Benign for Retinoblastoma. Last evaluated: 2022-04-29. Review status: criteria provided, single submitter. Criteria: ACMG Guidelines, 2015. Collection method: clinical testing. Allele origin: germline.

Sema4
Classification: Benign for Hereditary cancer-predisposing syndrome. Last evaluated: 2020-11-18. Review status: criteria provided, single submitter. Criteria: Sema4 Curation Guidelines. Collection method: curation. Allele origin: germline.

GeneDx
Classification: Benign. Last evaluated: 2020-03-27. Review status: criteria provided, single submitter. Criteria: GeneDx Variant Classification Process June 2021. Collection method: clinical testing. Allele origin: germline. Affected: yes.
Comment: This variant is associated with the following publications: (PMID: 22995991, 20981092, 24728327, 12541220, 27884173, 27153395, 26332594)

Mendelics
Classification: Benign for Retinoblastoma. Last evaluated: 2019-05-28. Review status: criteria provided, single submitter. Criteria: Mendelics Assertion Criteria 2017. Collection method: clinical testing. Allele origin: unknown.

Illumina Laboratory Services, Illumina
Classification: Likely benign for Retinoblastoma. Last evaluated: 2018-02-12. Review status: criteria provided, single submitter. Criteria: ICSL Variant Classification Criteria 13 December 2019. Collection method: clinical testing. Allele origin: germline.
Comment: This variant was observed as part of a predisposition screen in an ostensibly healthy population. A literature search was performed for the gene, cDNA change, and amino acid change (where applicable). Publications were found based on this search. The evidence from the literature, in combination with allele frequency data from public databases where available, was sufficient to determine this variant is unlikely to cause disease. Therefore, this variant is classified as likely benign.

Ambry Genetics
Classification: Benign for Hereditary cancer-predisposing syndrome. Last evaluated: 2015-12-14. Review status: criteria provided, single submitter. Criteria: Ambry Variant Classification Scheme 2023. Collection method: clinical testing. Allele origin: germline.

Genomic Diagnostic Laboratory, Division of Genomic Diagnostics, Children's Hospital of Philadelphia
Classification: Benign for Retinoblastoma. Last evaluated: 2015-06-08. Review status: criteria provided, single submitter. Criteria: DGD Variant Analysis Guidelines. Collection method: clinical testing. Allele origin: unknown.

ITMI
No classification provided. Condition: AllHighlyPenetrant. Last evaluated: 2013-09-19. Review status: no classification provided. Collection method: reference population. Allele origin: germline. Not counted in ClinVar's aggregate classification.
Comment: Please see associated publication for description of ethnicities

Literature cited by the submitters: PubMed 23532519 (cited by Illumina Laboratory Services, Illumina); PubMed 12541220 (cited by Illumina Laboratory Services, Illumina); PubMed 24347427 (cited by Illumina Laboratory Services, Illumina); PubMed 24728327 (cited by Illumina Laboratory Services, Illumina and ITMI).

NM_000321.3(RB1):c.1574C>G (p.Ala525Gly)

Gene: RB1 (RB transcriptional corepressor 1; plus strand). Cytogenetic location: 13q14.2.
Variant type: single nucleotide variant.
Coding change: c.1574C>G on transcript NM_000321.3 (MANE Select); coding-DNA position 1574, C replaced by G.
Protein change: p.Ala525Gly; replaces alanine 525 with glycine.
Molecular consequence: missense variant.
Genome position (GRCh38, 1-based): chr13:48,381,322, C>G. VCF-style: chr13-48381322-C-G. GRCh37 (hg19) VCF-style: chr13-48955458-C-G.
Other names: short protein forms A525G.
Identifiers: ClinVar variation 135118 (VCV000135118.46), dbSNP rs4151539, ClinGen allele CA026381.